The following is an entry in ClinVar:

ClinVar aggregate classification (germline): Uncertain significance. Review status: criteria provided, multiple submitters, no conflicts (2 of 4 stars). 2 submissions from 2 submitters: Uncertain significance (2). Last evaluated 2023-06-08.

Allele frequency attached by ClinVar (database versions not stated): gnomAD exomes below 0.00001.
gnomAD v4.1: 1 of 1,613,534 alleles (0.000062%); highest among the groups gnomAD compares: Non-Finnish European, 0.000085%; no homozygotes.

Submissions (2):

Blueprint Genetics
Classification: Uncertain significance. Last evaluated: 2023-06-08. Review status: criteria provided, single submitter. Criteria: ACMG Guidelines, 2015. Collection method: clinical testing. Allele origin: germline.

Labcorp Genetics (formerly Invitae), Labcorp
Classification: Uncertain significance. Last evaluated: 2022-04-07. Review status: criteria provided, single submitter. Criteria: Invitae Variant Classification Sherloc (09022015). Collection method: clinical testing. Allele origin: germline.
Comment: In summary, the available evidence is currently insufficient to determine the role of this variant in disease. Therefore, it has been classified as a Variant of Uncertain Significance. Algorithms developed to predict the effect of missense changes on protein structure and function are either unavailable or do not agree on the potential impact of this missense change (SIFT: "Deleterious"; PolyPhen-2: "Benign"; Align-GVGD: "Class C55"). This variant has not been reported in the literature in individuals affected with NBAS-related conditions. This variant is not present in population databases (gnomAD no frequency). This sequence change replaces lysine, which is basic and polar, with glutamic acid, which is acidic and polar, at codon 323 of the NBAS protein (p.Lys323Glu).

NM_015909.4(NBAS):c.967A>G (p.Lys323Glu)

Gene: NBAS (NBAS subunit of NRZ tethering complex; minus strand). Cytogenetic location: 2p24.3.
Variant type: single nucleotide variant.
Coding change: c.967A>G on transcript NM_015909.4 (MANE Select); coding-DNA position 967, A replaced by G.
Protein change: p.Lys323Glu; replaces lysine 323 with glutamic acid.
Molecular consequence: missense variant. On other transcripts: non-coding transcript variant (1).
Genome position (GRCh38, 1-based): chr2:15,489,010, T>C on the plus strand (A>G on the coding strand, the complement: NBAS is on the minus strand). VCF-style: chr2-15489010-T-C. GRCh37 (hg19) VCF-style: chr2-15629134-T-C.
Other names: short protein forms K323E.
Identifiers: ClinVar variation 2122415 (VCV002122415.5), dbSNP rs2528205032, ClinGen allele CA345894969.